The following is an entry in ClinVar:

NM_001374736.1(DST):c.21348C>T (p.Thr7116=)

Gene: DST (dystonin; minus strand). Cytogenetic location: 6p12.1.
Variant type: single nucleotide variant.
Coding change: c.21348C>T on transcript NM_001374736.1 (MANE Select); coding-DNA position 21348, C replaced by T.
Protein change: p.Thr7116=; no amino-acid change (threonine 7116 retained).
Molecular consequence: synonymous variant.
Genome position (GRCh38, 1-based): chr6:56,482,737, G>A on the plus strand (C>T on the coding strand, the complement: DST is on the minus strand). VCF-style: chr6-56482737-G-A. GRCh37 (hg19) VCF-style: chr6-56347535-G-A.
Other names: c.14991C>T, p.Thr4997= (NM_001144769.5); c.14577C>T, p.Thr4859= (NM_001144770.2); c.21348C>T, p.Thr7116= (NM_001374722.1); c.20388C>T, p.Thr6796= (NM_001374729.1); c.14130C>T, p.Thr4710= (NM_001374730.1); c.21375C>T, p.Thr7125= (NM_001374734.1); c.14457C>T, p.Thr4819= (NM_001386100.1, NM_183380.4); c.13479C>T, p.Thr4493= (NM_015548.5); and 1 more.
Identifiers: ClinVar variation 1090771 (VCV001090771.10), dbSNP rs74722945, ClinGen allele CA3866530.
Genomic context (GRCh38, chr6:56,482,737, plus strand): 5'-TTTTACCTGACGCAGGGCTGCTTCTAACCGTGTTTGCTTTGATATAGAAAGTGCACACAC[G>A]GTCTCCCAGCGTGTGCTTAATTCCTGCATCTGGACCTTGACCCAGGAGGAGTCATCCCGA-3'
Protein context (NP_001361665.1, residues 7106-7126): QMQELSTRWE[Thr7116=]VCALSISKQT

ClinVar aggregate classification (germline): Likely benign. Review status: criteria provided, multiple submitters, no conflicts (2 of 4 stars). 2 submissions from 2 submitters: Likely benign (2). Last evaluated 2026-04-05.

Conditions:
Hereditary sensory and autonomic neuropathy type 6. Also called: HSAN VI; Neuropathy, hereditary sensory and autonomic, type VI. Identifiers: Orphanet 314381, MedGen C3539003, MONDO:0013839, OMIM 614653.
Epidermolysis bullosa simplex 3, localized or generalized intermediate, with BP230 deficiency (EBS3). Also called: Epidermolysis bullosa simplex, autosomal recessive 2; Epidermolysis bullosa simplex due to BP230 deficiency. Identifiers: Orphanet 412181, MedGen C3809470, MONDO:0014180, OMIM 615425.
DST-related disorder. Also called: DST-related condition; DST-related disorders.

Allele frequency attached by ClinVar (database versions not stated): gnomAD exomes 0.00004; ExAC 0.00006; gnomAD 0.00010 and 0.00011; TOPMed 0.00013; ESP Exome Variant Server 0.00025; 1000 Genomes Project 30x 0.00031; 1000 Genomes Project 0.00040.
gnomAD v4.1: 60 of 1,613,724 alleles (0.0037%); highest among the groups gnomAD compares: African/African-American, 0.051%; no homozygotes.

Submissions (2):

PreventionGenetics, part of Exact Sciences
Classification: Likely benign for DST-related condition. Last evaluated: 2026-04-05. Review status: criteria provided, single submitter. Criteria: ACMG Guidelines, 2015. Collection method: clinical testing. Allele origin: germline.
Comment: This variant is classified as likely benign based on ACMG/AMP sequence variant interpretation guidelines (Richards et al. 2015 PMID: 25741868, with internal and published modifications).

Labcorp Genetics (formerly Invitae), Labcorp
Classification: Likely benign for Epidermolysis bullosa simplex 3, localized or generalized intermediate, with BP230 deficiency; Hereditary sensory and autonomic neuropathy type 6. Last evaluated: 2025-03-26. Review status: criteria provided, single submitter. Criteria: Invitae Variant Classification Sherloc (09022015). Collection method: clinical testing. Allele origin: germline.